The following is an entry in ClinVar:

ClinVar aggregate classification (germline): Uncertain significance (1 of 4 stars; one submission).

Conditions:
Malignant hyperthermia, susceptibility to, 5 (MHS5). Also called: CACNA1S-Related Malignant Hyperthermia Susceptibility. Identifiers: Orphanet 423, MedGen C1866077, MONDO:0011163, OMIM 601887.
Hypokalemic periodic paralysis, type 1. Also called: Hypokalemic Periodic Paralysis Type 1 (AD); HypoPP. Identifiers: Orphanet 681, MedGen C3714580, MONDO:0042979, OMIM 170400.

Allele frequency attached by ClinVar (database versions not stated): gnomAD exomes below 0.00001.
gnomAD v4.1: 4 of 1,614,110 alleles (0.00025%); highest among the groups gnomAD compares: South Asian, 0.0033%; no homozygotes.

Submission:

Labcorp Genetics (formerly Invitae), Labcorp
Classification: Uncertain significance for Hypokalemic periodic paralysis, type 1; Malignant hyperthermia, susceptibility to, 5. Last evaluated: 2022-08-29. Review status: criteria provided, single submitter. Criteria: Invitae Variant Classification Sherloc (09022015). Collection method: clinical testing. Allele origin: germline.
Comment: This sequence change replaces glutamic acid, which is acidic and polar, with lysine, which is basic and polar, at codon 240 of the CACNA1S protein (p.Glu240Lys). In summary, the available evidence is currently insufficient to determine the role of this variant in disease. Therefore, it has been classified as a Variant of Uncertain Significance. Advanced modeling of protein sequence and biophysical properties (such as structural, functional, and spatial information, amino acid conservation, physicochemical variation, residue mobility, and thermodynamic stability) performed at Invitae indicates that this missense variant is not expected to disrupt CACNA1S protein function. This variant has not been reported in the literature in individuals affected with CACNA1S-related conditions. This variant is not present in population databases (gnomAD no frequency).

NM_000069.3(CACNA1S):c.718G>A (p.Glu240Lys)

Gene: CACNA1S (calcium voltage-gated channel subunit alpha1 S; minus strand). Cytogenetic location: 1q32.1.
Variant type: single nucleotide variant.
Coding change: c.718G>A on transcript NM_000069.3 (MANE Select); coding-DNA position 718, G replaced by A.
Protein change: p.Glu240Lys; replaces glutamic acid 240 with lysine.
Molecular consequence: missense variant.
Genome position (GRCh38, 1-based): chr1:201,089,440, C>T on the plus strand (G>A on the coding strand, the complement: CACNA1S is on the minus strand). VCF-style: chr1-201089440-C-T. GRCh37 (hg19) VCF-style: chr1-201058568-C-T.
Other names: short protein forms E240K.
Identifiers: ClinVar variation 2078013 (VCV002078013.4), dbSNP rs1553252568, ClinGen allele CA344136900.
Genomic context (GRCh38, chr1:201,089,440, plus strand): 5'-CACTGCCATTGATGGTGCACCGGCGCCCTGAGCCCGTCCTGGCGCAGGGCGATGGCTCTT[C>T]ATTCTCCACCGTGGCCACGATATCTGGAGGCAGAAGGCAAAGGGAACATCAGACAACAGT-3'
Protein context (NP_000060.2, residues 230-250): GTDIVATVEN[Glu240Lys]EPSPCARTGS